The following is an entry in ClinVar:

ClinVar aggregate classification (germline): Uncertain significance (1 of 4 stars; one submission).

Allele frequency attached by ClinVar (database versions not stated): gnomAD exomes 0.00001; ExAC 0.00002; gnomAD 0.00003; TOPMed 0.00003.

Submission:

Laboratory for Molecular Medicine, Mass General Brigham Personalized Medicine
Classification: Uncertain significance. Last evaluated: 2015-06-10. Review status: criteria provided, single submitter. Criteria: LMM Criteria. Collection method: clinical testing. Allele origin: germline. Observed: 1 variant allele.
Comment: The p.Ile677Val variant in DFNB31 has not been previously reported in individual s with hearing loss or Usher syndrome, but has been identified in 2/10338 Africa n chromosomes by the Exome Aggregation Consortium (ExAC; dbSNP rs758287560). Although this variant has been seen in the general population, its frequency is not high enough to rule out a pathogenic role. Comp utational prediction tools and conservation analysis do not provide strong suppo rt for or against an impact to the protein. In summary, the clinical significanc e of the p.Ile677Val variant is uncertain.

NM_015404.4(WHRN):c.2029A>G (p.Ile677Val)

Gene: WHRN (whirlin; minus strand). Cytogenetic location: 9q32.
Variant type: single nucleotide variant.
Coding change: c.2029A>G on transcript NM_015404.4 (MANE Select); coding-DNA position 2029, A replaced by G.
Protein change: p.Ile677Val; replaces isoleucine 677 with valine.
Molecular consequence: missense variant.
Genome position (GRCh38, 1-based): chr9:114,406,562, T>C on the plus strand (A>G on the coding strand, the complement: WHRN is on the minus strand). VCF-style: chr9-114406562-T-C. GRCh37 (hg19) VCF-style: chr9-117168842-T-C.
Other names: c.880A>G, p.Ile294Val (NM_001083885.3); c.2029A>G, p.Ile677Val (NM_001173425.2); c.976A>G, p.Ile326Val (NM_001346890.1); short protein forms I677V, I294V, I326V.
Identifiers: ClinVar variation 228561 (VCV000228561.5), dbSNP rs758287560, ClinGen allele CA5205752.